The following is an entry in ClinVar:

NM_015164.4(PLEKHM2):c.2690G>A (p.Arg897His)

Gene: PLEKHM2 (pleckstrin homology and RUN domain containing M2; plus strand). Cytogenetic location: 1p36.21.
Variant type: single nucleotide variant.
Coding change: c.2690G>A on transcript NM_015164.4 (MANE Select); coding-DNA position 2690, G replaced by A.
Protein change: p.Arg897His; replaces arginine 897 with histidine.
Molecular consequence: missense variant.
Genome position (GRCh38, 1-based): chr1:15,732,414, G>A. VCF-style: chr1-15732414-G-A. GRCh37 (hg19) VCF-style: chr1-16058909-G-A.
Other names: short protein forms R897H.
Identifiers: ClinVar variation 1513897 (VCV001513897.8), dbSNP rs369377320, ClinGen allele CA617329.

ClinVar aggregate classification (germline): Uncertain significance (1 of 4 stars; one submission).

Allele frequency attached by ClinVar (database versions not stated): gnomAD exomes 0.00003; ESP Exome Variant Server 0.00008; TOPMed 0.00009; ExAC 0.00014; 1000 Genomes Project 0.00020; 1000 Genomes Project 30x 0.00031.
gnomAD v4.1: 46 of 1,575,254 alleles (0.0029%); highest among the groups gnomAD compares: African/African-American, 0.013%; no homozygotes.

Submission:

Labcorp Genetics (formerly Invitae), Labcorp
Classification: Uncertain significance. Last evaluated: 2025-11-01. Review status: criteria provided, single submitter. Criteria: Invitae Variant Classification Sherloc (09022015). Collection method: clinical testing. Allele origin: germline.
Comment: This sequence change replaces arginine, which is basic and polar, with histidine, which is basic and polar, at codon 897 of the PLEKHM2 protein (p.Arg897His). The frequency data for this variant in the population databases is considered unreliable, as metrics indicate poor data quality at this position in the gnomAD database. This variant has not been reported in the literature in individuals affected with PLEKHM2-related conditions. ClinVar contains an entry for this variant (Variation ID: 1513897). An algorithm developed to predict the effect of missense changes on protein structure and function outputs the following: PolyPhen-2: "Benign". The histidine amino acid residue is found in multiple mammalian species, which suggests that this missense change does not adversely affect protein function. In summary, the available evidence is currently insufficient to determine the role of this variant in disease. Therefore, it has been classified as a Variant of Uncertain Significance.